The following is an entry in ClinVar:

NM_181882.3(PRX):c.407AGA[3] (p.Lys139del)

Gene: PRX (periaxin; minus strand). Cytogenetic location: 19q13.2.
Variant type: Microsatellite.
Coding change: c.407AGA[3] on transcript NM_181882.3 (MANE Select); three copies in a row of the 3-base unit AGA starting at c.407; the reference has four copies in a row; one copy, 3 bases deleted.
Protein change: p.Lys139del; deletes lysine 139.
Molecular consequence: inframe deletion. On other transcripts: 3 prime UTR variant (1).
Genome position (GRCh38, 1-based): chr19:40,397,934-40,397,936, TCT deleted on the plus strand (AGA on the coding strand, the reverse complement: PRX is on the minus strand); deleting any 3 consecutive bases within chr19:40,397,934-40,397,947 gives the same sequence; the position shown is the placement nearest the transcript's 3' end. VCF-style (leftmost placement, unchanged base first): chr19-40397933-ATCT-A. GRCh37 (hg19) VCF-style: chr19-40903840-ATCT-A.
Other names: c.*612AGA[3] (NM_020956.2); c.416_418delAGA (NM_181882.2); short protein forms K139del.
Identifiers: ClinVar variation 942837 (VCV000942837.7), dbSNP rs778666575, ClinGen allele CA9444466.

ClinVar aggregate classification (germline): Uncertain significance. Review status: criteria provided, multiple submitters, no conflicts (2 of 4 stars). 2 submissions from 2 submitters: Uncertain significance (2). Last evaluated 2025-11-01.

Conditions:
Inborn genetic diseases. Identifiers: MedGen C0950123, MeSH D030342.
Charcot-Marie-Tooth disease type 4. Also called: Charcot-Marie-Tooth disease, type IV; Charcot-Marie-Tooth, Type 4. Identifiers: Orphanet 64749, MedGen C4082197, MONDO:0018995.

Submissions (2):

Labcorp Genetics (formerly Invitae), Labcorp
Classification: Uncertain significance for Charcot-Marie-Tooth disease type 4. Last evaluated: 2025-11-01. Review status: criteria provided, single submitter. Criteria: Invitae Variant Classification Sherloc (09022015). Collection method: clinical testing. Allele origin: germline.
Comment: This variant, c.416_418del, results in the deletion of 1 amino acid(s) of the PRX protein (p.Lys139del), but otherwise preserves the integrity of the reading frame. The frequency data for this variant in the population databases is considered unreliable, as metrics indicate poor data quality at this position in the gnomAD database. This variant has not been reported in the literature in individuals affected with PRX-related conditions. ClinVar contains an entry for this variant (Variation ID: 942837). Experimental studies and prediction algorithms are not available or were not evaluated, and the functional significance of this variant is currently unknown. In summary, the available evidence is currently insufficient to determine the role of this variant in disease. Therefore, it has been classified as a Variant of Uncertain Significance.

Ambry Genetics
Classification: Uncertain significance for Inborn genetic diseases. Last evaluated: 2020-10-26. Review status: criteria provided, single submitter. Criteria: Ambry Variant Classification Scheme 2023. Collection method: clinical testing. Allele origin: germline.
Comment: The c.416_418delAGA variant (also known as p.K139del) is located in coding exon 4 of the PRX gene. This variant results from an in-frame AGA deletion at nucleotide positions 416 to 418. This results in the in-frame deletion of a lysine at codon 139. Among a cohort of 448 patients with suspected inherited peripheral neuropathy, this alteration was detected in one patient with Charcot-Marie-Tooth disease, type 2, and in one asymptomatic parent; however, limited information was provided (Antoniadi T et al. BMC Med Genet, 2015 Sep;16:84). This amino acid position is highly conserved in available vertebrate species. In addition, this alteration is predicted to be inconclusive by in silico analysis (Choi Y et al. PLoS ONE. 2012; 7(10):e46688). Since supporting evidence is limited at this time, the clinical significance of this alteration remains unclear.

Literature cited by the submitters: PubMed 26392352 (cited by Ambry Genetics).